The following is an entry in ClinVar:

NM_000540.3(RYR1):c.565C>T (p.Gln189Ter)

Gene: RYR1 (ryanodine receptor 1; plus strand). Cytogenetic location: 19q13.2.
Variant type: single nucleotide variant.
Coding change: c.565C>T on transcript NM_000540.3 (MANE Select); coding-DNA position 565, C replaced by T.
Protein change: p.Gln189Ter; replaces glutamine 189 with a stop codon.
Molecular consequence: nonsense.
Genome position (GRCh38, 1-based): chr19:38,444,611, C>T. VCF-style: chr19-38444611-C-T. GRCh37 (hg19) VCF-style: chr19-38935251-C-T.
Other names: c.565C>T, p.Gln189Ter (NM_001042723.2); short protein forms Q189*.
Identifiers: ClinVar variation 5020019 (VCV005020019.1).

ClinVar aggregate classification (germline): Likely pathogenic (1 of 4 stars; one submission).

Conditions:
King Denborough syndrome (KDS). Identifiers: MedGen C1840365, MONDO:0020485, OMIM 619542.
Congenital multicore myopathy with external ophthalmoplegia (CMYO1B). Also called: MULTIMINICORE DISEASE WITH EXTERNAL OPHTHALMOPLEGIA; Congenital myopathy 1B, autosomal recessive; Minicore myopathy; MULTICORE MYOPATHY; Minicore myopathy with external ophthalmoplegia. Identifiers: Orphanet 598, Orphanet 98905, MedGen C1850674, MONDO:0009712, OMIM 255320, HP:0003789.
Central core myopathy (CMYO1A). Also called: CONGENITAL MYOPATHY 1A, AUTOSOMAL DOMINANT, WITH SUSCEPTIBILITY TO MALIGNANT HYPERTHERMIA; Central core disease; Myopathy, central fibrillar. Identifiers: Orphanet 597, MedGen C5830701, MONDO:0007294, OMIM 117000.
Malignant hyperthermia, susceptibility to, 1 (MHS1). Also called: Anesthesia related hyperthermia; Malignant hyperpyrexia; Fulminating hyperpyrexia; Pharmacogenic myopathy; RYR1-Related Malignant Hyperthermia Susceptibility; Malignant hyperthermia suceptibility 1. Identifiers: Orphanet 423, MedGen C2930980, MONDO:0007783, OMIM 145600.

Submission:

Juno Genomics, Hangzhou Juno Genomics, Inc
Classification: Likely pathogenic for Congenital multicore myopathy with external ophthalmoplegia; Central core myopathy; Malignant hyperthermia, susceptibility to, 1; King Denborough syndrome. Review status: criteria provided, single submitter. Criteria: ACMG Guidelines, 2015. Collection method: clinical testing. Allele origin: germline. Affected: yes.
Comment: Null variant in a gene where loss of function (LOF) is a known mechanism of disease.